The following is an entry in ClinVar:

ClinVar aggregate classification (germline): Uncertain significance. Review status: criteria provided, multiple submitters, no conflicts (2 of 4 stars). 2 submissions from 2 submitters: Uncertain significance (2). Last evaluated 2025-11-26.

Conditions:
Epidermolysis bullosa simplex 5B, with muscular dystrophy (EBS5B). Also called: EPIDERMOLYSIS BULLOSA SIMPLEX AND LIMB-GIRDLE MUSCULAR DYSTROPHY; Epidermolysis bullosa simplex with muscular dystrophy. Identifiers: Orphanet 257, MedGen C2931072, MONDO:0009181, OMIM 226670.
Epidermolysis bullosa simplex, Ogna type (EBS5A). Also called: Pidermolysis bullosa simplex 5A, Ogna type; EPIDERMOLYSIS BULLOSA SIMPLEX 5A, OGNA TYPE. Identifiers: Orphanet 79401, MedGen C0432317, MONDO:0007555, OMIM 131950.
Epidermolysis bullosa simplex with nail dystrophy (EBS5D). Identifiers: MedGen C4225309, MONDO:0014661, OMIM 616487.
Epidermolysis bullosa simplex 5C, with pyloric atresia (EBS5C). Also called: PLEC1-Related Epidermolysis Bullosa with Pyloric Atresia; Epidermolysis bullosa simplex with pyloric atresia; PLEC-Related Epidermolysis Bullosa with Pyloric Atresia. Identifiers: Orphanet 158684, MedGen C2677349, MONDO:0012807, OMIM 612138.
Autosomal recessive limb-girdle muscular dystrophy type 2Q (LGMDR17). Also called: MUSCULAR DYSTROPHY, LIMB-GIRDLE, AUTOSOMAL RECESSIVE 17. Identifiers: Orphanet 254361, MedGen C3150989, MONDO:0013390, OMIM 613723.
Inborn genetic diseases. Identifiers: MedGen C0950123, MeSH D030342.

Allele frequency attached by ClinVar (database versions not stated): gnomAD 0.00001; TOPMed 0.00002; gnomAD exomes 0.00003.
gnomAD v4.1: 38 of 1,591,284 alleles (0.0024%); highest among the groups gnomAD compares: Non-Finnish European, 0.0032%; no homozygotes.

Submissions (2):

Ambry Genetics
Classification: Uncertain significance for Inborn genetic diseases. Last evaluated: 2025-11-26. Review status: criteria provided, single submitter. Criteria: Ambry Variant Classification Scheme 2023. Collection method: clinical testing. Allele origin: germline.

Labcorp Genetics (formerly Invitae), Labcorp
Classification: Uncertain significance for Autosomal recessive limb-girdle muscular dystrophy type 2Q; Epidermolysis bullosa simplex, Ogna type; Epidermolysis bullosa simplex with nail dystrophy; Epidermolysis bullosa simplex 5C, with pyloric atresia; Epidermolysis bullosa simplex 5B, with muscular dystrophy. Last evaluated: 2025-09-07. Review status: criteria provided, single submitter. Criteria: Invitae Variant Classification Sherloc (09022015). Collection method: clinical testing. Allele origin: germline.
Comment: This sequence change replaces serine, which is neutral and polar, with phenylalanine, which is neutral and non-polar, at codon 1158 of the PLEC protein (p.Ser1158Phe). This variant is present in population databases (no rsID available, gnomAD 0.001%). This variant has not been reported in the literature in individuals affected with PLEC-related conditions. ClinVar contains an entry for this variant (Variation ID: 1421542). Invitae Evidence Modeling of protein sequence and biophysical properties (such as structural, functional, and spatial information, amino acid conservation, physicochemical variation, residue mobility, and thermodynamic stability) indicates that this missense variant is not expected to disrupt PLEC protein function with a negative predictive value of 80%. In summary, the available evidence is currently insufficient to determine the role of this variant in disease. Therefore, it has been classified as a Variant of Uncertain Significance.

NM_201384.3(PLEC):c.3392C>T (p.Ser1131Phe)

Gene: PLEC (plectin; minus strand). Cytogenetic location: 8q24.3.
Variant type: single nucleotide variant.
Coding change: c.3392C>T on transcript NM_201384.3 (MANE Select); coding-DNA position 3392, C replaced by T.
Protein change: p.Ser1131Phe; replaces serine 1131 with phenylalanine.
Molecular consequence: missense variant.
Genome position (GRCh38, 1-based): chr8:143,927,861, G>A on the plus strand (C>T on the coding strand, the complement: PLEC is on the minus strand). VCF-style: chr8-143927861-G-A. GRCh37 (hg19) VCF-style: chr8-145002029-G-A.
Other names: c.3473C>T (NM_000445.3); c.3473C>T, p.Ser1158Phe (NM_000445.5); c.3350C>T, p.Ser1117Phe (NM_201378.4); c.3326C>T, p.Ser1109Phe (NM_201379.3); c.3803C>T, p.Ser1268Phe (NM_201380.4); c.3296C>T, p.Ser1099Phe (NM_201381.3); c.3392C>T, p.Ser1131Phe (NM_201382.4); c.3404C>T, p.Ser1135Phe (NM_201383.3); short protein forms S1109F, S1099F, S1117F, S1135F, S1158F, S1268F, S1131F.
Identifiers: ClinVar variation 1421542 (VCV001421542.7), dbSNP rs1257318291, ClinGen allele CA372566594.
Genomic context (GRCh38, chr8:143,927,861, plus strand): 5'-CTGGGCCCGCTGTACCCCCACCCCGCCATGAAGCCCAAGCCTCGAAACGATACCTTCAGA[G>A]AGGCCTTGGTGGCCTCGAGCTCCGGGAGGGTGGCCGGCACGGCCTGGGCCTCCTTGAGCT-3'
Protein context (NP_958786.1, residues 1121-1141): TLPELEATKA[Ser1131Phe]LKKLRAQAEA